The following is an entry in ClinVar:

NM_003721.4(RFXANK):c.524T>C (p.Leu175Pro)

Gene: RFXANK (regulatory factor X associated ankyrin containing protein; plus strand). Cytogenetic location: 19p13.11.
Variant type: single nucleotide variant.
Coding change: c.524T>C on transcript NM_003721.4 (MANE Select); coding-DNA position 524, T replaced by C.
Protein change: p.Leu175Pro; replaces leucine 175 with proline.
Molecular consequence: missense variant.
Genome position (GRCh38, 1-based): chr19:19,198,192, T>C. VCF-style: chr19-19198192-T-C. GRCh37 (hg19) VCF-style: chr19-19309001-T-C.
Other names: c.521T>C, p.Leu174Pro (NM_001370237.1, NM_001370235.1, NM_001370236.1); c.524T>C, p.Leu175Pro (NM_001370238.1, NM_001370233.1); c.455T>C, p.Leu152Pro (NM_134440.3, NM_001278728.2); c.458T>C, p.Leu153Pro (NM_001278727.2, NM_001370234.1); short protein forms L175P, L153P, L174P, L152P.
Identifiers: ClinVar variation 1037613 (VCV001037613.8), dbSNP rs2060635912, ClinGen allele CA404896217.

ClinVar aggregate classification (germline): Uncertain significance (1 of 4 stars; one submission).

Conditions:
MHC class II deficiency. Also called: BLS, TYPE II; Bare lymphocyte syndrome 2. Identifiers: Orphanet 572, MedGen C5447452, MONDO:0008855.

gnomAD v4.1: 1 of 1,614,178 alleles (0.000062%); no homozygotes.

Submission:

Labcorp Genetics (formerly Invitae), Labcorp
Classification: Uncertain significance for MHC class II deficiency. Last evaluated: 2020-08-03. Review status: criteria provided, single submitter. Criteria: Invitae Variant Classification Sherloc (09022015). Collection method: clinical testing. Allele origin: germline.
Comment: In summary, the available evidence is currently insufficient to determine the role of this variant in disease. Therefore, it has been classified as a Variant of Uncertain Significance. Algorithms developed to predict the effect of missense changes on protein structure and function are either unavailable or do not agree on the potential impact of this missense change (SIFT: "Deleterious"; PolyPhen-2: "Possibly Damaging"; Align-GVGD: "Class C0"). This variant has not been reported in the literature in individuals with RFXANK-related conditions. This variant is not present in population databases (ExAC no frequency). This sequence change replaces leucine with proline at codon 175 of the RFXANK protein (p.Leu175Pro). The leucine residue is moderately conserved and there is a moderate physicochemical difference between leucine and proline.